The following is an entry in ClinVar:

ClinVar aggregate classification (germline): Uncertain significance. Review status: criteria provided, multiple submitters, no conflicts (2 of 4 stars). 3 submissions from 3 submitters: Uncertain significance (3). Last evaluated 2022-08-16.

Conditions:
Hereditary spastic paraplegia. Also called: Familial spastic paraparesis. Identifiers: Orphanet 685, MedGen C0037773, MONDO:0019064. Disease mechanism: loss of function.
Spastic paraplegia. Identifiers: MedGen C0037772, HP:0001258.

Allele frequency attached by ClinVar (database versions not stated): gnomAD exomes 0.00001 and 0.00006; TOPMed 0.00002; gnomAD 0.00003 and 0.00004.
gnomAD v4.1: 86 of 1,613,880 alleles (0.0053%); highest among the groups gnomAD compares: Non-Finnish European, 0.0071%; no homozygotes.

Submissions (3):

Labcorp Genetics (formerly Invitae), Labcorp
Classification: Uncertain significance for Spastic paraplegia. Last evaluated: 2022-08-16. Review status: criteria provided, single submitter. Criteria: Invitae Variant Classification Sherloc (09022015). Collection method: clinical testing. Allele origin: germline.
Comment: This sequence change replaces asparagine, which is neutral and polar, with serine, which is neutral and polar, at codon 139 of the ZFYVE26 protein (p.Asn139Ser). This variant is present in population databases (rs754388575, gnomAD 0.003%). This variant has not been reported in the literature in individuals affected with ZFYVE26-related conditions. ClinVar contains an entry for this variant (Variation ID: 528010). Algorithms developed to predict the effect of missense changes on protein structure and function output the following: SIFT: "Tolerated"; PolyPhen-2: "Benign"; Align-GVGD: "Class C0". The serine amino acid residue is found in multiple mammalian species, which suggests that this missense change does not adversely affect protein function. In summary, the available evidence is currently insufficient to determine the role of this variant in disease. Therefore, it has been classified as a Variant of Uncertain Significance.

Mayo Clinic Laboratories, Mayo Clinic
Classification: Uncertain significance. Last evaluated: 2021-04-15. Review status: criteria provided, single submitter. Criteria: ACMG Guidelines, 2015. Collection method: clinical testing. Allele origin: germline.

Genome Diagnostics Laboratory, The Hospital for Sick Children
Classification: Uncertain significance for Hereditary spastic paraplegia. Last evaluated: 2016-12-12. Review status: criteria provided, single submitter. Criteria: ACMG Guidelines, 2015. Collection method: clinical testing. Allele origin: germline. Affected: yes.

NM_015346.4(ZFYVE26):c.416A>G (p.Asn139Ser)

Gene: ZFYVE26 (zinc finger FYVE-type containing 26; minus strand). Cytogenetic location: 14q24.1.
Variant type: single nucleotide variant.
Coding change: c.416A>G on transcript NM_015346.4 (MANE Select); coding-DNA position 416, A replaced by G.
Protein change: p.Asn139Ser; replaces asparagine 139 with serine.
Molecular consequence: missense variant.
Genome position (GRCh38, 1-based): chr14:67,807,868, T>C on the plus strand (A>G on the coding strand, the complement: ZFYVE26 is on the minus strand). VCF-style: chr14-67807868-T-C. GRCh37 (hg19) VCF-style: chr14-68274585-T-C.
Other names: p.Asn139Ser; short protein forms N139S.
Identifiers: ClinVar variation 528010 (VCV000528010.9), dbSNP rs754388575, ClinGen allele CA262812720.
Genomic context (GRCh38, chr14:67,807,868, plus strand): 5'-TCCCAGAGCACAGAGACAGCTTCGGAGCTGAGACGAGGAGTCCAGCTCTCCCTCCTTGGA[T>C]TTCCGTCAGGCACGTGGCCTACTGCACCCTGTGTTAAGGTCTCATACAGCTCCTAAATAG-3'
Protein context (NP_056161.2, residues 129-149): QGAVGHVPDG[Asn139Ser]PRRESWTPRL